The following is an entry in ClinVar:

NM_002691.4(POLD1):c.1738G>T (p.Asp580Tyr)

Gene: POLD1 (DNA polymerase delta 1, catalytic subunit; plus strand). Cytogenetic location: 19q13.33.
Variant type: single nucleotide variant.
Coding change: c.1738G>T on transcript NM_002691.4 (MANE Select); coding-DNA position 1738, G replaced by T.
Protein change: p.Asp580Tyr; replaces aspartic acid 580 with tyrosine.
Molecular consequence: missense variant. On other transcripts: non-coding transcript variant (1).
Genome position (GRCh38, 1-based): chr19:50,407,378, G>T. VCF-style: chr19-50407378-G-T. GRCh37 (hg19) VCF-style: chr19-50910635-G-T.
Other names: NC_000019.9:g.50910635G>T; c.1738G>T, p.Asp580Tyr (NM_001256849.1, NM_001308632.1); short protein forms D580Y.
Identifiers: ClinVar variation 3308280 (VCV003308280.3).

ClinVar aggregate classification (germline): Uncertain significance. Review status: criteria provided, multiple submitters, no conflicts (2 of 4 stars). 2 submissions from 2 submitters: Uncertain significance (2). Last evaluated 2025-09-11.

Conditions:
POLD1-related polyposis and colorectal cancer syndrome (CRCS10). Also called: Colorectal cancer 10; COLORECTAL CANCER, SUSCEPTIBILITY TO, ON CHROMOSOME 19q; Colorectal cancer, susceptibility to, 10. Identifiers: Orphanet 220460, MedGen C2675481, MONDO:0012953, OMIM 612591.
Hereditary cancer-predisposing syndrome. Also called: Neoplastic Syndromes, Hereditary; Tumor predisposition; Hereditary Cancer Syndrome; Hereditary neoplastic syndrome. Identifiers: Orphanet 140162, MedGen C0027672, MeSH D009386, MONDO:0015356.

Submissions (3):

Labcorp Genetics (formerly Invitae), Labcorp
Classification: Uncertain significance for POLD1-related polyposis and colorectal cancer syndrome. Last evaluated: 2025-09-11. Review status: criteria provided, single submitter. Criteria: Invitae Variant Classification Sherloc (09022015). Collection method: clinical testing. Allele origin: germline.
Comment: This sequence change replaces aspartic acid, which is acidic and polar, with tyrosine, which is neutral and polar, at codon 580 of the POLD1 protein (p.Asp580Tyr). This variant is not present in population databases (gnomAD no frequency). This variant has not been reported in the literature in individuals affected with POLD1-related conditions. ClinVar contains an entry for this variant (Variation ID: 3308280). Invitae Evidence Modeling of protein sequence and biophysical properties (such as structural, functional, and spatial information, amino acid conservation, physicochemical variation, residue mobility, and thermodynamic stability) indicates that this missense variant is not expected to disrupt POLD1 protein function with a negative predictive value of 80%. In summary, the available evidence is currently insufficient to determine the role of this variant in disease. Therefore, it has been classified as a Variant of Uncertain Significance.

Ambry Genetics
Classification: Uncertain significance for Hereditary cancer-predisposing syndrome. Last evaluated: 2024-03-27. Review status: criteria provided, single submitter. Criteria: Ambry Variant Classification Scheme 2023. Collection method: clinical testing. Allele origin: germline.
Comment: The p.D580Y variant (also known as c.1738G>T), located in coding exon 13 of the POLD1 gene, results from a G to T substitution at nucleotide position 1738. The aspartic acid at codon 580 is replaced by tyrosine, an amino acid with highly dissimilar properties. This amino acid position is conserved. In addition, the in silico prediction for this alteration is inconclusive. Based on the available evidence, the clinical significance of this alteration remains unclear.

Dr. Peter K. Rogan Lab, Western University
No classification provided (evidence only). Condition: Familial cancer of breast. Review status: no classification provided. Collection method: in vitro. Allele origin: not applicable. Functional consequence: retained intron. Not counted in ClinVar's aggregate classification.